The following is an entry in ClinVar:

NM_004577.4(PSPH):c.72G>C (p.Thr24=)

Gene: PSPH (phosphoserine phosphatase; minus strand). Cytogenetic location: 7p11.2.
Variant type: single nucleotide variant.
Coding change: c.72G>C on transcript NM_004577.4 (MANE Select); coding-DNA position 72, G replaced by C.
Protein change: p.Thr24=; no amino-acid change (threonine 24 retained).
Molecular consequence: synonymous variant.
Genome position (GRCh38, 1-based): chr7:56,021,141, C>G on the plus strand (G>C on the coding strand, the complement: PSPH is on the minus strand). VCF-style: chr7-56021141-C-G. GRCh37 (hg19) VCF-style: chr7-56088834-C-G.
Other names: c.72G>C, p.Thr24= (NM_001370503.1, NM_001370504.1, NM_001370505.1 and 17 more transcripts).
Identifiers: ClinVar variation 360516 (VCV000360516.34), dbSNP rs145408555, ClinGen allele CA4268823.

ClinVar aggregate classification (germline): Likely benign. Review status: criteria provided, multiple submitters, no conflicts (2 of 4 stars). 4 submissions from 4 submitters: Likely benign (4). Last evaluated 2025-10-14.

Conditions:
PSPH-related disorder. Also called: PSPH-related condition.
Deficiency of phosphoserine phosphatase (PSPHD). Also called: PSPH deficiency; Phosphoserine phosphatase deficiency. Identifiers: Orphanet 79350, MedGen C1291463, MONDO:0013531, OMIM 614023.

Allele frequency attached by ClinVar (database versions not stated): 1000 Genomes Project 0.00100; 1000 Genomes Project 30x 0.00109; ESP Exome Variant Server 0.00223; gnomAD 0.00224 and 0.00245.
gnomAD v4.1: 4,953 of 1,614,208 alleles (0.31%); highest among the groups gnomAD compares: Non-Finnish European, 0.37%; 16 homozygotes.

Submissions (4):

PreventionGenetics, part of Exact Sciences
Classification: Likely benign for PSPH-related condition. Last evaluated: 2025-10-14. Review status: criteria provided, single submitter. Criteria: ACMG Guidelines, 2015. Collection method: clinical testing. Allele origin: germline.
Comment: This variant is classified as likely benign based on ACMG/AMP sequence variant interpretation guidelines (Richards et al. 2015 PMID: 25741868, with internal and published modifications).

CeGaT Center for Human Genetics Tuebingen
Classification: Likely benign. Last evaluated: 2024-01-01. Review status: criteria provided, single submitter. Criteria: CeGaT Center For Human Genetics Tuebingen Variant Classification Criteria Version 2. Collection method: clinical testing. Allele origin: germline. Affected: yes. Observed: 3 variant alleles.
Comment: PSPH: BP4, BP7

Illumina Laboratory Services, Illumina
Classification: Likely benign for Deficiency of phosphoserine phosphatase. Last evaluated: 2018-01-12. Review status: criteria provided, single submitter. Criteria: ICSL Variant Classification Criteria 13 December 2019. Collection method: clinical testing. Allele origin: germline.
Comment: This variant was observed in the ICSL laboratory as part of a predisposition screen in an ostensibly healthy population. It had not been previously curated by ICSL or reported in the Human Gene Mutation Database (HGMD: prior to June 1st, 2018), and was therefore a candidate for classification through an automated scoring system. Utilizing variant allele frequency, disease prevalence and penetrance estimates, and inheritance mode, an automated score was calculated to assess if this variant is too frequent to cause the disease. Based on the score and internal cut-off values, a variant classified as likely benign is not then subjected to further curation. The score for this variant resulted in a classification of likely benign for this disease.

Breakthrough Genomics
Classification: Likely benign. Review status: criteria provided, single submitter. Criteria: ACMG Guidelines, 2015. Collection method: not provided. Allele origin: germline. Inheritance: Autosomal recessive inheritance. Affected: yes.